The following is an entry in ClinVar:

NM_144499.3(GNAT1):c.83G>T (p.Arg28Leu)

Gene: GNAT1 (G protein subunit alpha transducin 1; plus strand). Cytogenetic location: 3p21.31.
Variant type: single nucleotide variant.
Coding change: c.83G>T on transcript NM_144499.3 (MANE Select); coding-DNA position 83, G replaced by T.
Protein change: p.Arg28Leu; replaces arginine 28 with leucine.
Molecular consequence: missense variant.
Genome position (GRCh38, 1-based): chr3:50,191,808, G>T. VCF-style: chr3-50191808-G-T. GRCh37 (hg19) VCF-style: chr3-50229241-G-T.
Other names: c.83G>T, p.Arg28Leu (NM_000172.4); short protein forms R28L.
Identifiers: ClinVar variation 2880331 (VCV002880331.4), dbSNP rs149936603, ClinGen allele CA352908988.

ClinVar aggregate classification (germline): Uncertain significance. Review status: criteria provided, multiple submitters, no conflicts (2 of 4 stars). 2 submissions from 2 submitters: Uncertain significance (2). Last evaluated 2023-10-13.

Submissions (2):

Blueprint Genetics
Classification: Uncertain significance. Last evaluated: 2023-10-13. Review status: criteria provided, single submitter. Criteria: ACMG Guidelines, 2015. Collection method: clinical testing. Allele origin: germline.

Labcorp Genetics (formerly Invitae), Labcorp
Classification: Uncertain significance. Last evaluated: 2023-09-19. Review status: criteria provided, single submitter. Criteria: Invitae Variant Classification Sherloc (09022015). Collection method: clinical testing. Allele origin: germline.
Comment: In summary, the available evidence is currently insufficient to determine the role of this variant in disease. Therefore, it has been classified as a Variant of Uncertain Significance. Advanced modeling of protein sequence and biophysical properties (such as structural, functional, and spatial information, amino acid conservation, physicochemical variation, residue mobility, and thermodynamic stability) performed at Invitae indicates that this missense variant is not expected to disrupt GNAT1 protein function. This variant has not been reported in the literature in individuals affected with GNAT1-related conditions. This variant is not present in population databases (gnomAD no frequency). This sequence change replaces arginine, which is basic and polar, with leucine, which is neutral and non-polar, at codon 28 of the GNAT1 protein (p.Arg28Leu).